The following is an entry in ClinVar:

NM_058216.3(RAD51C):c.145+10C>T

Genes: RAD51C (RAD51 paralog C; plus strand), LOC130061310 (ATAC-STARR-seq lymphoblastoid active region 12491; plus strand). Cytogenetic location: 17q22.
Variant type: single nucleotide variant.
Coding change: c.145+10C>T on transcript NM_058216.3 (MANE Select); 10 bases into the intron after coding-DNA position 145, C replaced by T.
Molecular consequence: intron variant.
Genome position (GRCh38, 1-based): chr17:58,692,798, C>T. VCF-style: chr17-58692798-C-T. GRCh37 (hg19) VCF-style: chr17-56770159-C-T.
Other names: c.145+10C>T (NM_002876.4).
Identifiers: ClinVar variation 2739763 (VCV002739763.4), dbSNP rs746120658, ClinGen allele CA2576336284.

ClinVar aggregate classification (germline): Likely benign. Review status: criteria provided, multiple submitters, no conflicts (2 of 4 stars). 2 submissions from 2 submitters: Likely benign (2). Last evaluated 2025-02-14.

Conditions:
Breast-ovarian cancer, familial, susceptibility to, 3. Also called: RAD51C-Related Breast/Ovarian Cancer. Identifiers: Orphanet 145, MedGen C3150659, MONDO:0013253, OMIM 613399.
Fanconi anemia complementation group O. Also called: RAD51C-Related Fanconi Anemia. Identifiers: Orphanet 84, MedGen C3150653, MONDO:0013248, OMIM 613390.

Submissions (2):

Myriad Genetics, Inc.
Classification: Likely benign for Breast-ovarian cancer, familial, susceptibility to, 3. Last evaluated: 2025-02-14. Review status: criteria provided, single submitter. Criteria: Myriad Autosomal Dominant, Autosomal Recessive and X-Linked Classification Criteria (2023). Collection method: clinical testing. Allele origin: unknown.
Comment: This variant is considered likely benign. This variant is intronic and is not expected to impact mRNA splicing.

Labcorp Genetics (formerly Invitae), Labcorp
Classification: Likely benign for Fanconi anemia complementation group O. Last evaluated: 2023-12-26. Review status: criteria provided, single submitter. Criteria: Invitae Variant Classification Sherloc (09022015). Collection method: clinical testing. Allele origin: germline.